The following is an entry in ClinVar:

NC_000001.10:g.(?_33354500)_(33359463_?)del

Gene: HPCA (hippocalcin; plus strand). Cytogenetic location: 1p35.1.
Variant type: Deletion.
Identifiers: ClinVar variation 3247938 (VCV003247938.1).

ClinVar aggregate classification (germline): Pathogenic (1 of 4 stars; one submission).

Submission:

Labcorp Genetics (formerly Invitae), Labcorp
Classification: Pathogenic. Last evaluated: 2023-07-03. Review status: criteria provided, single submitter. Criteria: Invitae Variant Classification Sherloc (09022015). Collection method: clinical testing. Allele origin: unknown.
Comment: For these reasons, this variant has been classified as Pathogenic. This variant has not been reported in the literature in individuals affected with HPCA-related conditions. A gross deletion of the genomic region encompassing the full coding sequence of the HPCA gene has been identified. Loss-of-function variants in HPCA are known to be pathogenic (PMID: 25799108, 30145809). The boundaries of this event are unknown as they extend beyond the assayed region for this gene and therefore may encompass additional genes.

Literature cited by the submitters: PubMed 25799108; PubMed 30145809.